The following is an entry in ClinVar:

NM_025215.6(PUS1):c.1159A>T (p.Met387Leu)

Gene: PUS1 (pseudouridine synthase 1; plus strand). Cytogenetic location: 12q24.33.
Variant type: single nucleotide variant.
Coding change: c.1159A>T on transcript NM_025215.6 (MANE Select); coding-DNA position 1159, A replaced by T.
Protein change: p.Met387Leu; replaces methionine 387 with leucine.
Molecular consequence: missense variant.
Genome position (GRCh38, 1-based): chr12:131,941,906, A>T. VCF-style: chr12-131941906-A-T. GRCh37 (hg19) VCF-style: chr12-132426451-A-T.
Other names: c.1075A>T, p.Met359Leu (NM_001002019.3, NM_001002020.3); short protein forms M387L, M359L.
Identifiers: ClinVar variation 1997701 (VCV001997701.4), dbSNP rs766344359, ClinGen allele CA387299962.

ClinVar aggregate classification (germline): Uncertain significance (1 of 4 stars; one submission).

Submission:

Labcorp Genetics (formerly Invitae), Labcorp
Classification: Uncertain significance. Last evaluated: 2022-05-21. Review status: criteria provided, single submitter. Criteria: Invitae Variant Classification Sherloc (09022015). Collection method: clinical testing. Allele origin: germline.
Comment: In summary, the available evidence is currently insufficient to determine the role of this variant in disease. Therefore, it has been classified as a Variant of Uncertain Significance. Algorithms developed to predict the effect of missense changes on protein structure and function are either unavailable or do not agree on the potential impact of this missense change (SIFT: "Tolerated"; PolyPhen-2: "Probably Damaging"; Align-GVGD: "Class C0"). This variant has not been reported in the literature in individuals affected with PUS1-related conditions. This variant is not present in population databases (gnomAD no frequency). This sequence change replaces methionine, which is neutral and non-polar, with leucine, which is neutral and non-polar, at codon 387 of the PUS1 protein (p.Met387Leu).